The following is an entry in ClinVar:

NM_001999.4(FBN2):c.1774G>A (p.Val592Met)

Gene: FBN2 (fibrillin 2; minus strand). Cytogenetic location: 5q23.3.
Variant type: single nucleotide variant.
Coding change: c.1774G>A on transcript NM_001999.4 (MANE Select); coding-DNA position 1774, G replaced by A.
Protein change: p.Val592Met; replaces valine 592 with methionine.
Molecular consequence: missense variant.
Genome position (GRCh38, 1-based): chr5:128,377,827, C>T on the plus strand (G>A on the coding strand, the complement: FBN2 is on the minus strand). VCF-style: chr5-128377827-C-T. GRCh37 (hg19) VCF-style: chr5-127713520-C-T.
Other names: short protein forms V592M.
Identifiers: ClinVar variation 1303107 (VCV001303107.3), dbSNP rs762427107, ClinGen allele CA360742566.

ClinVar aggregate classification (germline): Uncertain significance (1 of 4 stars; one submission).

Allele frequency attached by ClinVar (database versions not stated): gnomAD exomes below 0.00001.
gnomAD v4.1: 5 of 1,613,498 alleles (0.00031%); highest among the groups gnomAD compares: Non-Finnish European, 0.00042%; no homozygotes.

Submission:

GeneDx
Classification: Uncertain significance. Last evaluated: 2025-02-20. Review status: criteria provided, single submitter. Criteria: GeneDx Variant Classification Process June 2021. Collection method: clinical testing. Allele origin: germline. Affected: yes.
Comment: Has been reported in a patient with severe idopathic scoliosis, but did not have additional features of congenital contractural arachnodactyly (PMID: 24833718); Not observed at significant frequency in large population cohorts (gnomAD); In silico analysis indicates that this missense variant does not alter protein structure/function; This variant is associated with the following publications: (PMID: 19006240, 18767143, 24833718)